The following is an entry in ClinVar:

NM_001287491.2(TET3):c.2254C>T (p.Arg752Cys)

Gene: TET3 (tet methylcytosine dioxygenase 3; plus strand). Cytogenetic location: 2p13.1.
Variant type: single nucleotide variant.
Coding change: c.2254C>T on transcript NM_001287491.2 (MANE Select); coding-DNA position 2254, C replaced by T.
Protein change: p.Arg752Cys; replaces arginine 752 with cysteine.
Molecular consequence: missense variant.
Genome position (GRCh38, 1-based): chr2:74,048,171, C>T. VCF-style: chr2-74048171-C-T. GRCh37 (hg19) VCF-style: chr2-74275298-C-T.
Other names: c.1849C>T (NM_144993.1); c.1975C>T, p.Arg659Cys (NM_001366022.1); short protein forms R752C, R659C.
Identifiers: ClinVar variation 816631 (VCV000816631.9), dbSNP rs534089911, ClinGen allele CA1718760.

ClinVar aggregate classification (germline): Uncertain significance. Review status: criteria provided, multiple submitters, no conflicts (2 of 4 stars). 7 submissions from 7 submitters: Uncertain significance (5). 2 of the submissions do not count toward it. Last evaluated 2024-05-10.

Conditions:
Beck-Fahrner syndrome (BEFAHRS). Identifiers: Orphanet 684216, MedGen C5394097, MONDO:0032922, OMIM 618798.
Inborn genetic diseases. Identifiers: MedGen C0950123, MeSH D030342.
TET3 deficiency.

Allele frequency attached by ClinVar (database versions not stated): gnomAD 0.00008 and 0.00010; TOPMed 0.00012; 1000 Genomes Project 0.00020; 1000 Genomes Project 30x 0.00031.
gnomAD v4.1: 114 of 1,612,362 alleles (0.0071%); highest among the groups gnomAD compares: South Asian, 0.076%; 2 homozygotes.

Submissions (7):

Blueprint Genetics
Classification: Uncertain significance. Last evaluated: 2024-05-10. Review status: criteria provided, single submitter. Criteria: ACMG Guidelines, 2015. Collection method: clinical testing. Allele origin: germline.

Clinical Genomics Laboratory, Washington University in St. Louis
Classification: Uncertain significance for Beck-Fahrner syndrome. Last evaluated: 2024-02-20. Review status: criteria provided, single submitter. Criteria: ACMG Guidelines, 2015. Collection method: clinical testing. Allele origin: germline. Affected: yes.
Comment: The TET3 c.2254C>T (p.Arg752Cys) variant has been reported in one individual affected with Beck-Fahrner syndrome who harbored this variant and an additional variant of uncertain significance, confirmed in trans, in a compound heterozygous state (Beck DB et al., PMID: 31928709). The highest population minor allele frequency in the population database genome aggregation database (v.2.1.1) is 0.033% in the South Asian population. Computational predictors suggest that the variant does not impact TET3 function. This variant has been reported in the ClinVar database as a germline likely pathogenic variant and variant of uncertain significance by two submitters. Due to limited information, and based on ACMG/AMP guidelines for variant interpretation (Richards S et al., PMID: 25741868), the clinical significance of this variant is uncertain at this time.

Clinical Genetics Laboratory, Skane University Hospital Lund
Classification: Uncertain significance. Last evaluated: 2022-11-14. Review status: criteria provided, single submitter. Criteria: ACMG Guidelines, 2015. Collection method: clinical testing. Allele origin: germline. Affected: yes.

Ambry Genetics
Classification: Uncertain significance for Inborn genetic diseases. Last evaluated: 2021-12-16. Review status: criteria provided, single submitter. Criteria: Ambry Variant Classification Scheme 2023. Collection method: clinical testing. Allele origin: germline.

SIB Swiss Institute of Bioinformatics
Classification: Uncertain significance for Beck-Fahrner syndrome. Last evaluated: 2020-07-22. Review status: criteria provided, single submitter. Criteria: ACMG Guidelines, 2015. Collection method: curation. Allele origin: unknown.
Comment: This variant is interpreted as a variant of uncertain significance for Beck-Fahrner syndrome, autosomal recessive. The following ACMG Tag(s) were applied: Absent from controls (or at extremely low frequency if recessive) in Exome Sequencing Project, 1000 Genomes Project, or Exome Aggregation Consortium (PM2); For recessive disorders, detected in trans with a (likely)pathogenic variant (PM3).

OMIM
Classification: Pathogenic for BECK-FAHRNER SYNDROME, AUTOSOMAL RECESSIVE. Last evaluated: 2020-06-16. Review status: no assertion criteria provided. Collection method: literature only. Allele origin: germline. Not counted in ClinVar's aggregate classification.

University of Washington Center for Mendelian Genomics, University of Washington
Classification: Likely pathogenic for TET3 deficiency. Review status: no assertion criteria provided. Collection method: research. Allele origin: paternal. Affected: yes. Not counted in ClinVar's aggregate classification.

Literature cited by the submitters: PubMed 31928709 (cited by 4 submitters).